The following is an entry in ClinVar:

ClinVar aggregate classification (germline): Uncertain significance. Review status: criteria provided, multiple submitters, no conflicts (2 of 4 stars). 2 submissions from 2 submitters: Uncertain significance (2). Last evaluated 2025-10-06.

gnomAD v4.1: 5 of 1,609,982 alleles (0.00031%); highest among the groups gnomAD compares: Non-Finnish European, 0.00034%; no homozygotes.

Submissions (2):

Ambry Genetics
Classification: Uncertain significance. Last evaluated: 2025-10-06. Review status: criteria provided, single submitter. Criteria: Ambry Variant Classification Scheme 2023. Collection method: clinical testing. Allele origin: germline.

Labcorp Genetics (formerly Invitae), Labcorp
Classification: Uncertain significance. Last evaluated: 2025-05-21. Review status: criteria provided, single submitter. Criteria: Invitae Variant Classification Sherloc (09022015). Collection method: clinical testing. Allele origin: germline.
Comment: This sequence change replaces arginine, which is basic and polar, with serine, which is neutral and polar, at codon 645 of the RNF31 protein (p.Arg645Ser). This variant is not present in population databases (gnomAD no frequency). This variant has not been reported in the literature in individuals affected with RNF31-related conditions. An algorithm developed to predict the effect of missense changes on protein structure and function (PolyPhen-2) suggests that this variant is likely to be disruptive. In summary, the available evidence is currently insufficient to determine the role of this variant in disease. Therefore, it has been classified as a Variant of Uncertain Significance.

NM_017999.5(RNF31):c.1935G>C (p.Arg645Ser)

Gene: RNF31 (ring finger protein 31; plus strand). Cytogenetic location: 14q12.
Variant type: single nucleotide variant.
Coding change: c.1935G>C on transcript NM_017999.5 (MANE Select); coding-DNA position 1935, G replaced by C.
Protein change: p.Arg645Ser; replaces arginine 645 with serine.
Molecular consequence: missense variant.
Genome position (GRCh38, 1-based): chr14:24,151,797, G>C. VCF-style: chr14-24151797-G-C. GRCh37 (hg19) VCF-style: chr14-24621006-G-C.
Other names: c.1482G>C, p.Arg494Ser (NM_001310332.2); short protein forms R494S, R645S.
Identifiers: ClinVar variation 4578892 (VCV004578892.2).